The following is an entry in ClinVar:

ClinVar aggregate classification (germline): Pathogenic. Review status: criteria provided, multiple submitters, no conflicts (2 of 4 stars). 3 submissions from 3 submitters: Pathogenic (3). Last evaluated 2025-11-18.

Conditions:
VPS13A-related neurodegenerative disease. Also called: Choreoacanthocytosis; Chorea-acanthocytosis; Choreaacanthocytosis; LEVINE-CRITCHLEY SYNDROME; VPS13A Disease; ACANTHOCYTOSIS WITH NEUROLOGIC DISORDER. Identifiers: Orphanet 2388, MedGen C0393576, MONDO:0008695, OMIM 200150.

Allele frequency attached by ClinVar (database versions not stated): TOPMed below 0.00001; gnomAD exomes below 0.00001.
gnomAD v4.1: 4 of 1,613,136 alleles (0.00025%); highest among the groups gnomAD compares: Non-Finnish European, 0.00034%; no homozygotes.

Submissions (3):

Labcorp Genetics (formerly Invitae), Labcorp
Classification: Pathogenic. Last evaluated: 2025-11-18. Review status: criteria provided, single submitter. Criteria: Invitae Variant Classification Sherloc (09022015). Collection method: clinical testing. Allele origin: germline.
Comment: This sequence change creates a premature translational stop signal (p.Arg1921*) in the VPS13A gene. It is expected to result in an absent or disrupted protein product. Loss-of-function variants in VPS13A are known to be pathogenic (PMID: 12404112, 21598378). This variant is not present in population databases (gnomAD no frequency). This premature translational stop signal has been observed in individual(s) with chorea-acanthocytosis (PMID: 21598378). ClinVar contains an entry for this variant (Variation ID: 987032). For these reasons, this variant has been classified as Pathogenic.

Myriad Genetics, Inc.
Classification: Pathogenic for VPS13A-related neurodegenerative disease. Last evaluated: 2024-05-14. Review status: criteria provided, single submitter. Criteria: Myriad Autosomal Dominant, Autosomal Recessive and X-Linked Classification Criteria (2023). Collection method: clinical testing. Allele origin: unknown.
Comment: NM_033305.2(VPS13A):c.5761C>T(R1921*) is expected to be pathogenic in the context of VPS13A disease. This variant is predicted to lead to an abnormal or absent protein product due to the creation of a premature termination codon in VPS13A, a gene where loss-of-function variants are known to be pathogenic. Please note: this variant was assessed in the context of healthy population screening.

Institute of Medical Genetics and Applied Genomics, University Hospital Tübingen
Classification: Pathogenic. Last evaluated: 2020-10-23. Review status: criteria provided, single submitter. Criteria: ACMG Guidelines, 2015. Collection method: clinical testing. Allele origin: germline. Inheritance: Autosomal recessive inheritance. Affected: yes.

Literature cited by the submitters: PubMed 12404112 (cited by Labcorp Genetics (formerly Invitae), Labcorp); PubMed 21598378 (cited by Labcorp Genetics (formerly Invitae), Labcorp).

NM_033305.3(VPS13A):c.5761C>T (p.Arg1921Ter)

Gene: VPS13A (vacuolar protein sorting 13 homolog A; plus strand). Cytogenetic location: 9q21.2.
Variant type: single nucleotide variant.
Coding change: c.5761C>T on transcript NM_033305.3 (MANE Select); coding-DNA position 5761, C replaced by T.
Protein change: p.Arg1921Ter; replaces arginine 1921 with a stop codon.
Molecular consequence: nonsense.
Genome position (GRCh38, 1-based): chr9:77,321,677, C>T. VCF-style: chr9-77321677-C-T. GRCh37 (hg19) VCF-style: chr9-79936593-C-T.
Other names: c.5644C>T, p.Arg1882Ter (NM_001018037.2); c.5761C>T, p.Arg1921Ter (NM_001018038.3, NM_015186.4); short protein forms R1882*, R1921*.
Identifiers: ClinVar variation 987032 (VCV000987032.10), dbSNP rs1369905878, ClinGen allele CA373863553.
Genomic context (GRCh38, chr9:77,321,677, plus strand): 5'-ATTCCTATGGCAAAATCATATGTATTGAAAAATGGAGAAAGTTTAAGTATGGATTATATC[C>T]GAACCAAGGACAATGATCATTTCAATGCAATGACCAGCCTAAGCAGCAAACTCTTCTTCA-3'